The following is an entry in ClinVar:

NM_003737.4(DCHS1):c.8223C>T (p.Leu2741=)

Gene: DCHS1 (dachsous cadherin-related 1; minus strand). Cytogenetic location: 11p15.4.
Variant type: single nucleotide variant.
Coding change: c.8223C>T on transcript NM_003737.4 (MANE Select); coding-DNA position 8223, C replaced by T.
Protein change: p.Leu2741=; no amino-acid change (leucine 2741 retained).
Molecular consequence: synonymous variant.
Genome position (GRCh38, 1-based): chr11:6,623,453, G>A on the plus strand (C>T on the coding strand, the complement: DCHS1 is on the minus strand). VCF-style: chr11-6623453-G-A. GRCh37 (hg19) VCF-style: chr11-6644684-G-A.
Other names: c.8223C>T (NM_003737.3).
Identifiers: ClinVar variation 2721496 (VCV002721496.5), dbSNP rs776456642, ClinGen allele CA5859468.

ClinVar aggregate classification (germline): Likely benign. Review status: criteria provided, single submitter (1 of 4 stars). 2 submissions from 2 submitters: Likely benign (1). 1 of the submissions does not count toward it. Last evaluated 2025-12-16.

Conditions:
DCHS1-related disorder. Also called: DCHS1-related condition.

Allele frequency attached by ClinVar (database versions not stated): TOPMed 0.00001; gnomAD exomes 0.00002; gnomAD 0.00001; ExAC 0.00002.
gnomAD v4.1: 14 of 1,581,174 alleles (0.00089%); highest among the groups gnomAD compares: Admixed American, 0.026%; no homozygotes.

Submissions (2):

Labcorp Genetics (formerly Invitae), Labcorp
Classification: Likely benign. Last evaluated: 2025-12-16. Review status: criteria provided, single submitter. Criteria: Invitae Variant Classification Sherloc (09022015). Collection method: clinical testing. Allele origin: germline.

PreventionGenetics, part of Exact Sciences
Classification: Likely benign for DCHS1-related condition. Last evaluated: 2022-12-19. Review status: no assertion criteria provided. Collection method: clinical testing. Allele origin: germline. Not counted in ClinVar's aggregate classification.
Comment: This variant is classified as likely benign based on ACMG/AMP sequence variant interpretation guidelines (Richards et al. 2015 PMID: 25741868, with internal and published modifications).